The following is an entry in ClinVar:

ClinVar aggregate classification (germline): Likely pathogenic (1 of 4 stars; one submission).

Submission:

Quest Diagnostics Nichols Institute San Juan Capistrano
Classification: Likely pathogenic. Last evaluated: 2023-05-25. Review status: criteria provided, single submitter. Criteria: ACMG/ClinGen CNV Guidelines, 2019. Collection method: clinical testing. Allele origin: unknown.
Comment: This copy number gain (triplication) involves multiple protein-coding genes, including PTHLH (OMIM 168470). Heterozygous duplications of PTHLH have been reported in association with an autosomal dominant cluster of variable skeletal phenotypes, though incomplete penetrance was noted in at least one family (Collinson 2010, Echaubard 2022, Flottmann 2016, Gray 2014, Tacke 2021). There are no similar copy number gains of this region in the general populations of the Database of Genomic Variants. Therefore, based on current medical literature, this copy number variant (CNV) is classified as likely pathogenic with reduced penetrance and variable expressivity. References: Collinson et al., Am J Med Genet A. 2010 Dec;152A(12):3124-8. PMID: 21082660 Echaubard et al., Pediatr Rheumatol Online J. 2022 Jul 30;20(1):58. PMID: 35908058 Flottmann et al., Eur J Hum Genet. 2016 Aug;24(8):1132-6. PMID: 26733284 Gray et al., J Hum Genet. 2014 Sep;59(9):484-7. PMID: 25007883 Rehm et al., N Engl J Med. 2015 Jun 4;372(23):2235-42. PMID: 26014595 Tacke et al., Bone Rep. 2021 Apr 15;14:101067. PMID: 33981811

GRCh37/hg19 12p11.23-11.22(chr12:27514172-29338877)x4

Genes: BMAL2 (basic helix-loop-helix ARNT like 2; plus strand), CCDC91 (coiled-coil domain containing 91; plus strand), KLHL42 (kelch like family member 42; plus strand), MANSC4 (MANSC domain containing 4; minus strand), MRPS35 (mitochondrial ribosomal protein S35; plus strand) and 4 more. Cytogenetic location: 12p11.23-11.22.
Variant type: copy number gain.
Change: copy number 4 of chr12:27,514,172-29,338,877 (1.82 Mb, GRCh37 coordinates, 1-based), cytogenetic band 12p11.23-11.22.
Identifiers: ClinVar variation 2685051 (VCV002685051.1).